The following is an entry in ClinVar:

NM_024301.5(FKRP):c.1432A>G (p.Ile478Val)

Gene: FKRP (fukutin related protein; plus strand). Cytogenetic location: 19q13.32.
Variant type: single nucleotide variant.
Coding change: c.1432A>G on transcript NM_024301.5 (MANE Select); coding-DNA position 1432, A replaced by G.
Protein change: p.Ile478Val; replaces isoleucine 478 with valine.
Molecular consequence: missense variant.
Genome position (GRCh38, 1-based): chr19:46,756,882, A>G. VCF-style: chr19-46756882-A-G. GRCh37 (hg19) VCF-style: chr19-47260139-A-G.
Other names: c.1432A>G, p.Ile478Val (NM_001039885.3); short protein forms I478V.
Identifiers: ClinVar variation 1935959 (VCV001935959.5), dbSNP rs2514000287, ClinGen allele CA406497353.

ClinVar aggregate classification (germline): Likely pathogenic (1 of 4 stars; one submission).

Conditions:
Walker-Warburg congenital muscular dystrophy. Also called: Muscular dystrophy-dystroglycanopathy, type A; Walker-Warburg syndrome. Identifiers: Orphanet 899, MedGen C0265221, MONDO:0000171.

Submission:

Labcorp Genetics (formerly Invitae), Labcorp
Classification: Likely pathogenic for Walker-Warburg congenital muscular dystrophy. Last evaluated: 2024-09-30. Review status: criteria provided, single submitter. Criteria: Invitae Variant Classification Sherloc (09022015). Collection method: clinical testing. Allele origin: germline.
Comment: This sequence change replaces isoleucine, which is neutral and non-polar, with valine, which is neutral and non-polar, at codon 478 of the FKRP protein (p.Ile478Val). This variant is not present in population databases (gnomAD no frequency). This variant has not been reported in the literature in individuals affected with FKRP-related conditions. ClinVar contains an entry for this variant (Variation ID: 1935959). Invitae Evidence Modeling of protein sequence and biophysical properties (such as structural, functional, and spatial information, amino acid conservation, physicochemical variation, residue mobility, and thermodynamic stability) indicates that this missense variant is not expected to disrupt FKRP protein function with a negative predictive value of 80%. This variant disrupts the p.Ile478 amino acid residue in FKRP. Other variant(s) that disrupt this residue have been determined to be pathogenic (PMID: 16476814, 18639457, 19299310). This suggests that this residue is clinically significant, and that variants that disrupt this residue are likely to be disease-causing. In summary, the currently available evidence indicates that the variant is pathogenic, but additional data are needed to prove that conclusively. Therefore, this variant has been classified as Likely Pathogenic.

Literature cited by the submitters: PubMed 16476814; PubMed 18639457; PubMed 19299310.